The following is an entry in ClinVar:

ClinVar aggregate classification (germline): Uncertain significance (1 of 4 stars; one submission).

Conditions:
Spastic paraplegia. Identifiers: MedGen C0037772, HP:0001258.

Submission:

Labcorp Genetics (formerly Invitae), Labcorp
Classification: Uncertain significance for Spastic paraplegia. Last evaluated: 2021-03-27. Review status: criteria provided, single submitter. Criteria: Invitae Variant Classification Sherloc (09022015). Collection method: clinical testing. Allele origin: germline.
Comment: This sequence change falls in intron 14 of the KIF5A gene. It does not directly change the encoded amino acid sequence of the KIF5A protein. This variant is not present in population databases (ExAC no frequency). This variant has not been reported in the literature in individuals with KIF5A-related conditions. Algorithms developed to predict the effect of sequence changes on RNA splicing suggest that this variant may disrupt the consensus splice site, but this prediction has not been confirmed by published transcriptional studies. In summary, the available evidence is currently insufficient to determine the role of this variant in disease. Therefore, it has been classified as a Variant of Uncertain Significance.

NM_004984.4(KIF5A):c.1570-7T>C

Gene: KIF5A (kinesin family member 5A; plus strand). Cytogenetic location: 12q13.3.
Variant type: single nucleotide variant.
Coding change: c.1570-7T>C on transcript NM_004984.4 (MANE Select); 7 bases into the intron before coding-DNA position 1570, T replaced by C.
Molecular consequence: intron variant.
Genome position (GRCh38, 1-based): chr12:57,572,573, T>C. VCF-style: chr12-57572573-T-C. GRCh37 (hg19) VCF-style: chr12-57966356-T-C.
Other names: c.1303-7T>C (NM_001354705.2).
Identifiers: ClinVar variation 1520659 (VCV001520659.8), dbSNP rs2140165527, ClinGen allele CA2573148873.
Genomic context (GRCh38, chr12:57,572,573, plus strand): 5'-CCTCTGCCTGGGCTGGGCAAGGGAGCAGGAGGATGGCAACAGGAATGACCTGAGGGGCTG[T>C]CCCCAGGCCACCATGCTGTCCCTGGAGTCTGAGTTGCAGCGGCTACAGGAGGTCAGTGGA-3'